The following is an entry in ClinVar:

NM_004360.5(CDH1):c.1013T>C (p.Phe338Ser)

Gene: CDH1 (cadherin 1; plus strand). Cytogenetic location: 16q22.1.
Variant type: single nucleotide variant.
Coding change: c.1013T>C on transcript NM_004360.5 (MANE Select); coding-DNA position 1013, T replaced by C.
Protein change: p.Phe338Ser; replaces phenylalanine 338 with serine.
Molecular consequence: missense variant. On other transcripts: 5 prime UTR variant (2).
Genome position (GRCh38, 1-based): chr16:68,812,139, T>C. VCF-style: chr16-68812139-T-C. GRCh37 (hg19) VCF-style: chr16-68846042-T-C.
Other names: c.1013T>C, p.Phe338Ser (NM_001317184.2); c.-603T>C (NM_001317185.2); c.-807T>C (NM_001317186.2); short protein forms F338S.
Identifiers: ClinVar variation 821988 (VCV000821988.10), dbSNP rs1060501219, ClinGen allele CA396459927.

ClinVar aggregate classification (germline): Conflicting classifications of pathogenicity. Review status: criteria provided, conflicting classifications (1 of 4 stars). 2 submissions from 2 submitters: Uncertain significance (1); Likely benign (1). Last evaluated 2025-08-31.

Conditions:
Hereditary diffuse gastric adenocarcinoma (HDGC). Also called: DIFFUSE GASTRIC AND LOBULAR BREAST CANCER SYNDROME. Identifiers: Orphanet 26106, MedGen C1708349, MONDO:0007648, OMIM 137215.
Hereditary cancer-predisposing syndrome. Also called: Hereditary Cancer Syndrome; Neoplastic Syndromes, Hereditary; Hereditary neoplastic syndrome; Tumor predisposition. Identifiers: Orphanet 140162, MedGen C0027672, MeSH D009386, MONDO:0015356.

Allele frequency attached by ClinVar (database versions not stated): TOPMed below 0.00001; gnomAD 0.00001.
gnomAD v4.1: 1 of 1,614,038 alleles (0.000062%); highest among the groups gnomAD compares: African/African-American, 0.0013%; no homozygotes.

Submissions (2):

Labcorp Genetics (formerly Invitae), Labcorp
Classification: Uncertain significance for Hereditary diffuse gastric adenocarcinoma. Last evaluated: 2025-08-31. Review status: criteria provided, single submitter. Criteria: Invitae Variant Classification Sherloc (09022015). Collection method: clinical testing. Allele origin: germline.
Comment: This sequence change replaces phenylalanine, which is neutral and non-polar, with serine, which is neutral and polar, at codon 338 of the CDH1 protein (p.Phe338Ser). This variant is present in population databases (no rsID available, gnomAD 0.01%). This variant has not been reported in the literature in individuals affected with CDH1-related conditions. ClinVar contains an entry for this variant (Variation ID: 821988). An algorithm developed to predict the effect of missense changes on protein structure and function (PolyPhen-2) suggests that this variant is likely to be tolerated. In summary, the available evidence is currently insufficient to determine the role of this variant in disease. Therefore, it has been classified as a Variant of Uncertain Significance.

Ambry Genetics
Classification: Likely benign for Hereditary cancer-predisposing syndrome. Last evaluated: 2024-07-10. Review status: criteria provided, single submitter. Criteria: Ambry Variant Classification Scheme 2023. Collection method: clinical testing. Allele origin: germline.